The following is an entry in ClinVar:

ClinVar aggregate classification (germline): Benign/Likely benign. Review status: criteria provided, multiple submitters, no conflicts (2 of 4 stars). 7 submissions from 7 submitters: Benign (4); Likely benign (3). Last evaluated 2026-01-21.

Conditions:
Hereditary cancer-predisposing syndrome. Also called: Tumor predisposition; Hereditary neoplastic syndrome; Neoplastic Syndromes, Hereditary; Hereditary Cancer Syndrome. Identifiers: Orphanet 140162, MedGen C0027672, MeSH D009386, MONDO:0015356.
Multiple endocrine neoplasia, type 1 (MEN1). Also called: Endocrine adenomatosis multiple; MEN 1; MEN I; WERMER SYNDROME; MEA I. Identifiers: Orphanet 652, MedGen C0025267, MeSH D018761, MONDO:0007540, OMIM 131100.

Allele frequency attached by ClinVar (database versions not stated): ExAC 0.00043; 1000 Genomes Project 30x 0.00078; 1000 Genomes Project 0.00080; gnomAD below 0.00001 and 0.00009; TOPMed 0.00001; gnomAD exomes 0.00014 and 0.00034.
gnomAD v4.1: 228 of 1,614,184 alleles (0.014%); highest among the groups gnomAD compares: South Asian, 0.23%; 1 homozygote.

Submissions (7):

Labcorp Genetics (formerly Invitae), Labcorp
Classification: Benign for Multiple endocrine neoplasia, type 1. Last evaluated: 2026-01-21. Review status: criteria provided, single submitter. Criteria: Invitae Variant Classification Sherloc (09022015). Collection method: clinical testing. Allele origin: germline.

Women's Health and Genetics/Laboratory Corporation of America, LabCorp
Classification: Benign. Last evaluated: 2025-09-19. Review status: criteria provided, single submitter. Criteria: LabCorp Variant Classification Summary - May 2015. Collection method: clinical testing. Allele origin: germline.

KCCC/NGS Laboratory, Kuwait Cancer Control Center
Classification: Benign for Multiple endocrine neoplasia, type 1. Last evaluated: 2025-02-01. Review status: criteria provided, single submitter. Criteria: ACMG Guidelines, 2015. Collection method: clinical testing. Allele origin: germline. Affected: no.

Myriad Genetics, Inc.
Classification: Benign for Multiple endocrine neoplasia, type 1. Last evaluated: 2024-11-01. Review status: criteria provided, single submitter. Criteria: Myriad Autosomal Dominant, Autosomal Recessive and X-Linked Classification Criteria (2023). Collection method: clinical testing. Allele origin: unknown.
Comment: This variant is considered benign. This variant is a silent/synonymous amino acid change and it is not expected to impact splicing.

All of Us Research Program, National Institutes of Health
Classification: Likely benign for Multiple endocrine neoplasia, type 1. Last evaluated: 2023-12-13. Review status: criteria provided, single submitter. Criteria: ACMG Guidelines, 2015. Collection method: clinical testing. Allele origin: germline. Inheritance: Autosomal dominant inheritance. Observed: 7 variant alleles, 7 heterozygotes.
Comment: This study involves interpretation of variants in research participants for the purpose of population health screening. Participant phenotype was not available at the time of variant classification. Additional details can be found in publication PMID: 35346344, PMCID: PMC8962531

Color Diagnostics, LLC DBA Color Health
Classification: Likely benign for Multiple endocrine neoplasia, type 1. Last evaluated: 2022-11-06. Review status: criteria provided, single submitter. Criteria: ACMG Guidelines, 2015. Collection method: clinical testing. Allele origin: germline.

Ambry Genetics
Classification: Likely benign for Hereditary cancer-predisposing syndrome. Last evaluated: 2020-06-24. Review status: criteria provided, single submitter. Criteria: Ambry Variant Classification Scheme 2023. Collection method: clinical testing. Allele origin: germline.

NM_001370259.2(MEN1):c.591C>G (p.Thr197=)

Gene: MEN1 (menin 1; minus strand). Cytogenetic location: 11q13.1.
Variant type: single nucleotide variant.
Coding change: c.591C>G on transcript NM_001370259.2 (MANE Select); coding-DNA position 591, C replaced by G.
Protein change: p.Thr197=; no amino-acid change (threonine 197 retained).
Molecular consequence: synonymous variant. On other transcripts: intron variant (2).
Genome position (GRCh38, 1-based): chr11:64,807,954, G>C on the plus strand (C>G on the coding strand, the complement: MEN1 is on the minus strand). VCF-style: chr11-64807954-G-C. GRCh37 (hg19) VCF-style: chr11-64575426-G-C.
Other names: c.591C>G, p.Thr197= (NM_001370261.2, NM_130799.3, NM_001370251.2 and 1 more transcripts); c.606C>G, p.Thr202= (NM_130800.3, NM_130801.3, NM_130802.3 and 3 more transcripts); c.549+42C>G (NM_001370263.2, NM_001370262.2); c.606C>G (NM_000244.3).
Identifiers: ClinVar variation 136171 (VCV000136171.18), dbSNP rs527294715, ClinGen allele CA009507.